The following is an entry in ClinVar:

NM_001165963.4(SCN1A):c.3514G>A (p.Glu1172Lys)

Genes: SCN1A (sodium voltage-gated channel alpha subunit 1; minus strand), LOC102724058 (uncharacterized LOC102724058; plus strand). Cytogenetic location: 2q24.3.
Variant type: single nucleotide variant.
Coding change: c.3514G>A on transcript NM_001165963.4 (MANE Select); coding-DNA position 3514, G replaced by A.
Protein change: p.Glu1172Lys; replaces glutamic acid 1172 with lysine.
Molecular consequence: missense variant. On other transcripts: non-coding transcript variant (2).
Genome position (GRCh38, 1-based): chr2:166,015,643, C>T on the plus strand (G>A on the coding strand, the complement: SCN1A is on the minus strand). VCF-style: chr2-166015643-C-T. GRCh37 (hg19) VCF-style: chr2-166872153-C-T.
Other names: c.3430G>A, p.Glu1144Lys (NM_001165964.3, NM_001353957.2, NM_001353958.2); c.3514G>A, p.Glu1172Lys (NM_001202435.3, NM_001353948.2); c.3481G>A, p.Glu1161Lys (NM_001353949.2, NM_001353950.2, NM_001353951.2 and 2 more transcripts); c.3478G>A, p.Glu1160Lys (NM_001353954.2, NM_001353955.2); c.3427G>A, p.Glu1143Lys (NM_001353960.2); c.1072G>A, p.Glu358Lys (NM_001353961.2); short protein forms E1143K, E1144K, E1160K, E1161K, E1172K, E358K.
Identifiers: ClinVar variation 1307021 (VCV001307021.8), dbSNP rs1553534085, ClinGen allele CA349056663.
Genomic context (GRCh38, chr2:166,015,643, plus strand): 5'-TAACATTAGGATTCTTTTCTTTACCTTCAGTGAAACAAGCTTCTGGTTCAAGAGTTTCTT[C>T]AGGTTCCACTACGGGCTGTTCTTCTACAGGTGCGCCGATGTCCACAGTGCTACCTTCTGA-3'
Protein context (NP_001159435.1, residues 1162-1182): PVEEQPVVEP[Glu1172Lys]ETLEPEACFT

ClinVar aggregate classification (germline): Uncertain significance. Review status: criteria provided, multiple submitters, no conflicts (2 of 4 stars). 2 submissions from 2 submitters: Uncertain significance (2). Last evaluated 2026-09-03.

Conditions:
Early-infantile DEE. Also called: Early infantile epileptic encephalopathy; Ohtahara syndrome; Early infantile epileptic encephalopathy with suppression bursts. Identifiers: Orphanet 1934, MedGen C0393706, MONDO:0800491.

Allele frequency attached by ClinVar (database versions not stated): gnomAD exomes below 0.00001; TOPMed 0.00001.
gnomAD v4.1: 4 of 1,612,834 alleles (0.00025%); highest among the groups gnomAD compares: Non-Finnish European, 0.00034%; no homozygotes.

Submissions (2):

GeneDx
Classification: Uncertain significance. Last evaluated: 2026-09-03. Review status: criteria provided, single submitter. Criteria: GeneDx Variant Classification Process June 2021. Collection method: clinical testing. Allele origin: germline.
Comment: Not observed at significant frequency in large population cohorts (gnomAD); In silico analysis supports that this missense variant has a deleterious effect on protein structure/function; This substitution is predicted to be within the cytoplasmic loop between the second and third homologous domains; Has not been previously published as pathogenic or benign to our knowledge

Labcorp Genetics (formerly Invitae), Labcorp
Classification: Uncertain significance for Early-infantile DEE. Last evaluated: 2024-05-05. Review status: criteria provided, single submitter. Criteria: Invitae Variant Classification Sherloc (09022015). Collection method: clinical testing. Allele origin: germline.
Comment: This sequence change replaces glutamic acid, which is acidic and polar, with lysine, which is basic and polar, at codon 1172 of the SCN1A protein (p.Glu1172Lys). This variant is not present in population databases (gnomAD no frequency). This missense change has been observed in individual(s) with clinical features of SCN1A-related conditions (Invitae). ClinVar contains an entry for this variant (Variation ID: 1307021). Advanced modeling of protein sequence and biophysical properties (such as structural, functional, and spatial information, amino acid conservation, physicochemical variation, residue mobility, and thermodynamic stability) has been performed at Invitae for this missense variant, however the output from this modeling did not meet the statistical confidence thresholds required to predict the impact of this variant on SCN1A protein function. In summary, the available evidence is currently insufficient to determine the role of this variant in disease. Therefore, it has been classified as a Variant of Uncertain Significance.